The following is an entry in ClinVar:

NM_015450.3(POT1):c.1616A>G (p.Gln539Arg)

Gene: POT1 (protection of telomeres 1; minus strand). Cytogenetic location: 7q31.33.
Variant type: single nucleotide variant.
Coding change: c.1616A>G on transcript NM_015450.3 (MANE Select); coding-DNA position 1616, A replaced by G.
Protein change: p.Gln539Arg; replaces glutamine 539 with arginine.
Molecular consequence: missense variant. On other transcripts: non-coding transcript variant (3).
Genome position (GRCh38, 1-based): chr7:124,827,284, T>C on the plus strand (A>G on the coding strand, the complement: POT1 is on the minus strand). VCF-style: chr7-124827284-T-C. GRCh37 (hg19) VCF-style: chr7-124467338-T-C.
Other names: c.1223A>G, p.Gln408Arg (NM_001042594.2); short protein forms Q408R, Q539R.
Identifiers: ClinVar variation 961040 (VCV000961040.10), dbSNP rs1794653961, ClinGen allele CA369063198.

ClinVar aggregate classification (germline): Uncertain significance (1 of 4 stars; one submission).

Conditions:
Tumor predisposition syndrome 3 (TPDS3). Also called: Melanoma, cutaneous malignant, susceptibility to, 10; Glioma susceptibility 9; LONG TELOMERE SYNDROME, POT1-RELATED; POT1 Tumor Predisposition. Identifiers: Orphanet 618, MedGen C4014476, MONDO:0014368, OMIM 615848.

Submission:

Labcorp Genetics (formerly Invitae), Labcorp
Classification: Uncertain significance for Tumor predisposition syndrome 3. Last evaluated: 2019-10-14. Review status: criteria provided, single submitter. Criteria: Invitae Variant Classification Sherloc (09022015). Collection method: clinical testing. Allele origin: germline.
Comment: This sequence change replaces glutamine with arginine at codon 539 of the POT1 protein (p.Gln539Arg). The glutamine residue is moderately conserved and there is a small physicochemical difference between glutamine and arginine. This variant is not present in population databases (ExAC no frequency). This variant has not been reported in the literature in individuals with POT1-related conditions. Algorithms developed to predict the effect of missense changes on protein structure and function output the following: SIFT: "Tolerated"; PolyPhen-2: "Benign"; Align-GVGD: "Class C0". The arginine amino acid residue is found in multiple mammalian species, suggesting that this missense change does not adversely affect protein function. These predictions have not been confirmed by published functional studies and their clinical significance is uncertain. In summary, the available evidence is currently insufficient to determine the role of this variant in disease. Therefore, it has been classified as a Variant of Uncertain Significance.